The following is an entry in ClinVar:

NM_000548.5(TSC2):c.4039C>G (p.Leu1347Val)

Gene: TSC2 (TSC complex subunit 2; plus strand). Cytogenetic location: 16p13.3.
Variant type: single nucleotide variant.
Coding change: c.4039C>G on transcript NM_000548.5 (MANE Select); coding-DNA position 4039, C replaced by G.
Protein change: p.Leu1347Val; replaces leucine 1347 with valine.
Molecular consequence: missense variant.
Genome position (GRCh38, 1-based): chr16:2,084,261, C>G. VCF-style: chr16-2084261-C-G. GRCh37 (hg19) VCF-style: chr16-2134262-C-G.
Other names: c.3838C>G, p.Leu1280Val (NM_001077183.3); c.3970C>G, p.Leu1324Val (NM_001114382.3); c.3730C>G, p.Leu1244Val (NM_001318827.2); c.3694C>G, p.Leu1232Val (NM_001318829.2); c.3307C>G, p.Leu1103Val (NM_001318831.2); c.3871C>G, p.Leu1291Val (NM_001318832.2); c.3841C>G, p.Leu1281Val (NM_001363528.2); c.3907C>G, p.Leu1303Val (NM_001370404.1); and 1 more; short protein forms L1103V, L1232V, L1244V, L1280V, L1281V, L1291V, L1303V, L1304V.
Identifiers: ClinVar variation 992916 (VCV000992916.11), dbSNP rs377050648, ClinGen allele CA050266.

ClinVar aggregate classification (germline): Conflicting classifications of pathogenicity. Review status: criteria provided, conflicting classifications (1 of 4 stars). 3 submissions from 3 submitters: Uncertain significance (2); Benign (1). Last evaluated 2023-07-07.

Conditions:
Tuberous sclerosis 2 (TSC2). Identifiers: Orphanet 805, MedGen C1860707, MONDO:0013199, OMIM 613254.

Allele frequency attached by ClinVar (database versions not stated): gnomAD exomes below 0.00001; ExAC 0.00002; gnomAD 0.00001; TOPMed 0.00001; ESP Exome Variant Server 0.00008.

Submissions (3):

Labcorp Genetics (formerly Invitae), Labcorp
Classification: Benign for Tuberous sclerosis 2. Last evaluated: 2023-07-07. Review status: criteria provided, single submitter. Criteria: Invitae Variant Classification Sherloc (09022015). Collection method: clinical testing. Allele origin: germline.

Genome-Nilou Lab
Classification: Uncertain significance for Tuberous sclerosis 2. Last evaluated: 2021-11-07. Review status: criteria provided, single submitter. Criteria: ACMG Guidelines, 2015. Collection method: clinical testing. Allele origin: germline. Affected: no.

Johns Hopkins Genomics, Johns Hopkins University
Classification: Uncertain significance for Tuberous sclerosis 2. Last evaluated: 2020-12-02. Review status: criteria provided, single submitter. Criteria: ACMG Guidelines, 2015. Collection method: clinical testing. Allele origin: germline.
Comment: This variant (rs377050648) is rare (<0.1%) in a large population dataset (gnomAD: 1/236378 total alleles; 0.0004%; no homozygotes) and has not been reported in ClinVar nor the literature, to our knowledge. TSC2 c.4039C>G is located within the GAP domain. Three bioinformatic tools queried predict that this substitution would be tolerated, and the leucine residue at this position is poorly evolutionarily conserved across the species assessed. Due to insufficient evidence, we consider the clinical significance of c.4039C>G to be uncertain at this time.

Literature cited by the submitters: PubMed 27493206 (cited by Johns Hopkins Genomics, Johns Hopkins University).